The following is an entry in ClinVar:

NM_004006.3(DMD):c.1532C>T (p.Thr511Ile)

Gene: DMD (dystrophin; minus strand). Cytogenetic location: Xp21.1.
Variant type: single nucleotide variant.
Coding change: c.1532C>T on transcript NM_004006.3 (MANE Select); coding-DNA position 1532, C replaced by T.
Protein change: p.Thr511Ile; replaces threonine 511 with isoleucine.
Molecular consequence: missense variant.
Genome position (GRCh38, 1-based): chrX:32,595,827, G>A on the plus strand (C>T on the coding strand, the complement: DMD is on the minus strand). VCF-style: chrX-32595827-G-A. GRCh37 (hg19) VCF-style: chrX-32613944-G-A.
Other names: c.1508C>T, p.Thr503Ile (NM_000109.4); c.1520C>T, p.Thr507Ile (NM_004009.3); c.1163C>T, p.Thr388Ile (NM_004010.3); short protein forms T388I, T503I, T507I, T511I.
Identifiers: ClinVar variation 864442 (VCV000864442.7), dbSNP rs1295185756, ClinGen allele CA412665529.
Genomic context (GRCh38, chrX:32,595,827, plus strand): 5'-TCTTCCAAAGCAGCAGTTGCGTGATCTCCACTAGATTCATCAACTACCACCACCATGTGA[G>A]TGAGAGAATTGACCCTGACTTGTTCTTGTTCTAGATCTTCTTGAAGCACCTGAAAGATAA-3'
Protein context (NP_003997.2, residues 501-521): EQEQVRVNSL[Thr511Ile]HMVVVVDESS

ClinVar aggregate classification (germline): Uncertain significance. Review status: criteria provided, single submitter (1 of 4 stars). 2 submissions from 2 submitters: Uncertain significance (1). 1 of the submissions does not count toward it. Last evaluated 2021-09-02.

Conditions:
Duchenne muscular dystrophy (DMD). Also called: Duchenne Muscular Dystrophy (DMD); MUSCULAR DYSTROPHY, PSEUDOHYPERTROPHIC PROGRESSIVE, DUCHENNE TYPE. Identifiers: Orphanet 98896, MedGen C0013264, MONDO:0010679, OMIM 310200.
Dystrophin deficiency.
Becker muscular dystrophy (BMD). Also called: MUSCULAR DYSTROPHY, PSEUDOHYPERTROPHIC PROGRESSIVE, BECKER TYPE; Becker Muscular Dystrophy (BMD). Identifiers: Orphanet 98895, MedGen C0917713, MONDO:0010311, OMIM 300376.
Cardiomyopathy (CMYO). Also called: Cardiomyopathies. Identifiers: Orphanet 167848, MedGen C0878544, MONDO:0004994, HP:0001638. Inheritance: Various modes of inheritance.

Allele frequency attached by ClinVar (database versions not stated): gnomAD exomes below 0.00001 and 0.00001.
gnomAD v4.1: 4 of 1,202,568 alleles (0.00033%); highest among the groups gnomAD compares: Non-Finnish European, 0.00034%; no homozygotes.

Submissions (2):

Labcorp Genetics (formerly Invitae), Labcorp
Classification: Uncertain significance for Duchenne muscular dystrophy. Last evaluated: 2021-09-02. Review status: criteria provided, single submitter. Criteria: Invitae Variant Classification Sherloc (09022015). Collection method: clinical testing. Allele origin: germline.
Comment: This sequence change replaces threonine with isoleucine at codon 511 of the DMD protein (p.Thr511Ile). The threonine residue is highly conserved and there is a moderate physicochemical difference between threonine and isoleucine. This variant is not present in population databases (ExAC no frequency). This variant has not been reported in the literature in individuals affected with DMD-related conditions. Algorithms developed to predict the effect of missense changes on protein structure and function are either unavailable or do not agree on the potential impact of this missense change (SIFT: "Deleterious"; PolyPhen-2: "Probably Damaging"; Align-GVGD: "Class C15"). In summary, the available evidence is currently insufficient to determine the role of this variant in disease. Therefore, it has been classified as a Variant of Uncertain Significance.

Natera, Inc.
Classification: Uncertain significance for Becker muscular dystrophy; Cardiomyopathy; Duchenne muscular dystrophy; Dystrophin deficiency. Last evaluated: 2021-03-31. Review status: no assertion criteria provided. Collection method: clinical testing. Allele origin: germline. Not counted in ClinVar's aggregate classification.